The following is an entry in ClinVar:

ClinVar aggregate classification (germline): Uncertain significance (1 of 4 stars; one submission).

Allele frequency attached by ClinVar (database versions not stated): ExAC 0.00001; gnomAD exomes 0.00001; gnomAD 0.00003; TOPMed 0.00007; ESP Exome Variant Server 0.00008.
gnomAD v4.1: 9 of 1,609,504 alleles (0.00056%); highest among the groups gnomAD compares: African/African-American, 0.012%; no homozygotes.

Submission:

GeneDx
Classification: Uncertain significance. Last evaluated: 2022-02-17. Review status: criteria provided, single submitter. Criteria: GeneDx Variant Classification Process June 2021. Collection method: clinical testing. Allele origin: germline. Affected: yes.
Comment: In silico analysis supports that this missense variant does not alter protein structure/function; Has not been previously published as pathogenic or benign to our knowledge

NM_173628.4(DNAH17):c.8148C>A (p.Phe2716Leu)

Gene: DNAH17 (dynein axonemal heavy chain 17; minus strand). Cytogenetic location: 17q25.3.
Variant type: single nucleotide variant.
Coding change: c.8148C>A on transcript NM_173628.4 (MANE Select); coding-DNA position 8148, C replaced by A.
Protein change: p.Phe2716Leu; replaces phenylalanine 2716 with leucine.
Molecular consequence: missense variant.
Genome position (GRCh38, 1-based): chr17:78,476,578, G>T on the plus strand (C>A on the coding strand, the complement: DNAH17 is on the minus strand). VCF-style: chr17-78476578-G-T. GRCh37 (hg19) VCF-style: chr17-76472660-G-T.
Other names: short protein forms F2716L.
Identifiers: ClinVar variation 1702756 (VCV001702756.2), dbSNP rs374165283, ClinGen allele CA8801968.